The following is an entry in ClinVar:

ClinVar aggregate classification (germline): Uncertain significance (1 of 4 stars; one submission).

Conditions:
Hereditary diffuse gastric adenocarcinoma (HDGC). Also called: DIFFUSE GASTRIC AND LOBULAR BREAST CANCER SYNDROME. Identifiers: Orphanet 26106, MedGen C1708349, MONDO:0007648, OMIM 137215.

Submission:

Labcorp Genetics (formerly Invitae), Labcorp
Classification: Uncertain significance for Hereditary diffuse gastric adenocarcinoma. Last evaluated: 2018-01-31. Review status: criteria provided, single submitter. Criteria: Invitae Variant Classification Sherloc (09022015). Collection method: clinical testing. Allele origin: germline.
Comment: In summary, the available evidence is currently insufficient to determine the role of this variant in disease. Therefore, it has been classified as a Variant of Uncertain Significance. Algorithms developed to predict the effect of missense changes on protein structure and function do not agree on the potential impact of this missense change (SIFT: "Deleterious"; PolyPhen-2: "Probably Damaging"; Align-GVGD: "Class C0"). This variant has not been reported in the literature in individuals with CDH1-related disease. This variant is not present in population databases (ExAC no frequency). This sequence change replaces glycine with valine at codon 879 of the CDH1 protein (p.Gly879Val). The glycine residue is moderately conserved and there is a moderate physicochemical difference between glycine and valine.

NM_004360.5(CDH1):c.2636G>T (p.Gly879Val)

Gene: CDH1 (cadherin 1; plus strand). Cytogenetic location: 16q22.1.
Variant type: single nucleotide variant.
Coding change: c.2636G>T on transcript NM_004360.5 (MANE Select); coding-DNA position 2636, G replaced by T.
Protein change: p.Gly879Val; replaces glycine 879 with valine.
Molecular consequence: missense variant.
Genome position (GRCh38, 1-based): chr16:68,833,486, G>T. VCF-style: chr16-68833486-G-T. GRCh37 (hg19) VCF-style: chr16-68867389-G-T.
Other names: c.2636G>T (LRG_301t1); c.2453G>T, p.Gly818Val (NM_001317184.2); c.1088G>T, p.Gly363Val (NM_001317185.2); c.671G>T, p.Gly224Val (NM_001317186.2); short protein forms G879V, G363V, G818V, G224V.
Identifiers: ClinVar variation 582530 (VCV000582530.9), dbSNP rs1567517888, ClinGen allele CA396472901.